The following is an entry in ClinVar:

ClinVar aggregate classification (germline): Uncertain significance (1 of 4 stars; one submission).

Submission:

Labcorp Genetics (formerly Invitae), Labcorp
Classification: Uncertain significance. Last evaluated: 2025-06-19. Review status: criteria provided, single submitter. Criteria: Invitae Variant Classification Sherloc (09022015). Collection method: clinical testing. Allele origin: germline.
Comment: This sequence change replaces glutamine, which is neutral and polar, with lysine, which is basic and polar, at codon 1401 of the ASPM protein (p.Gln1401Lys). This variant is not present in population databases (gnomAD no frequency). This variant has not been reported in the literature in individuals affected with ASPM-related conditions. Invitae Evidence Modeling of protein sequence and biophysical properties (such as structural, functional, and spatial information, amino acid conservation, physicochemical variation, residue mobility, and thermodynamic stability) indicates that this missense variant is not expected to disrupt ASPM protein function with a negative predictive value of 80%. In summary, the available evidence is currently insufficient to determine the role of this variant in disease. Therefore, it has been classified as a Variant of Uncertain Significance.

NM_018136.5(ASPM):c.4201C>A (p.Gln1401Lys)

Gene: ASPM (assembly factor for spindle microtubules; minus strand). Cytogenetic location: 1q31.3.
Variant type: single nucleotide variant.
Coding change: c.4201C>A on transcript NM_018136.5 (MANE Select); coding-DNA position 4201, C replaced by A.
Protein change: p.Gln1401Lys; replaces glutamine 1401 with lysine.
Molecular consequence: missense variant. On other transcripts: intron variant (1).
Genome position (GRCh38, 1-based): chr1:197,105,050, G>T on the plus strand (C>A on the coding strand, the complement: ASPM is on the minus strand). VCF-style: chr1-197105050-G-T. GRCh37 (hg19) VCF-style: chr1-197074180-G-T.
Other names: c.4066-8886C>A (NM_001206846.2); short protein forms Q1401K.
Identifiers: ClinVar variation 4740741 (VCV004740741.1).